The following is an entry in ClinVar:

NM_000169.3(GLA):c.728T>G (p.Leu243Trp)

Genes: GLA (galactosidase alpha; minus strand), RPL36A-HNRNPH2 (RPL36A-HNRNPH2 readthrough; plus strand). Cytogenetic location: Xq22.1.
Variant type: single nucleotide variant.
Coding change: c.728T>G on transcript NM_000169.3 (MANE Select); coding-DNA position 728, T replaced by G.
Protein change: p.Leu243Trp; replaces leucine 243 with tryptophan.
Molecular consequence: missense variant. On other transcripts: non-coding transcript variant (3), intron variant (2).
Genome position (GRCh38, 1-based): chrX:101,398,858, A>C on the plus strand (T>G on the coding strand, the complement: GLA is on the minus strand). VCF-style: chrX-101398858-A-C. GRCh37 (hg19) VCF-style: chrX-100653846-A-C.
Other names: c.851T>G, p.Leu284Trp (NM_001406747.1); c.728T>G, p.Leu243Trp (NM_001406748.1); c.300+3401A>C (NM_001199973.2); c.177+7036A>C (NM_001199974.2); short protein forms L243W, L284W.
Identifiers: ClinVar variation 4087485 (VCV004087485.2).

ClinVar aggregate classification (germline): Pathogenic (1 of 4 stars; one submission).

Conditions:
Fabry disease. Also called: ALPHA-GALACTOSIDASE A DEFICIENCY; ANDERSON-FABRY DISEASE; CERAMIDE TRIHEXOSIDASE DEFICIENCY; GLA DEFICIENCY; HEREDITARY DYSTOPIC LIPIDOSIS; Angiokeratoma corporis diffusum. Identifiers: Orphanet 324, MedGen C0002986, MONDO:0010526, OMIM 301500, HP:0001071. Disease mechanism: Fabry disease is due to inactivating mutations in the X-linked GLA gene resulting in deficiency of the enzyme Alpha Galactosidase-A., loss of function.

Submission:

Genomenon, Inc
Classification: Pathogenic for Fabry disease. Last evaluated: 2026-09-08. Review status: criteria provided, single submitter. Criteria: Genomenon Sequence Variant Interpretation Standards - Updated. Collection method: curation. Allele origin: germline. Affected: yes.
Comment: GLA p.Leu243Trp (c.728T>G) is a missense variant that changes the amino acid at codon 243 from Leucine to Tryptophan. This variant has been observed in at least one proband with clinical features consistent with Fabry disease (PMID:33906135;16630168). The variant was found to segregate with disease in at least one affected family (PMID:16630168). At least one functional study has demonstrated a substantial alteration in protein function relative to the wild-type (PMID:27657681). This variant is located in a mutational hotspot and/or important functional domain. It is absent or not present at a significant frequency in gnomAD. In silico models predict that this variant is possibly or probably damaging. In conclusion, we classify GLA p.Leu243Trp (c.728T>G) as a pathogenic variant.

Literature cited by the submitters: PubMed 33906135; PubMed 16630168; PubMed 27657681.